The following is an entry in ClinVar:

NM_004836.7(EIF2AK3):c.907G>A (p.Ala303Thr)

Gene: EIF2AK3 (eukaryotic translation initiation factor 2 alpha kinase 3; minus strand). Cytogenetic location: 2p11.2.
Variant type: single nucleotide variant.
Coding change: c.907G>A on transcript NM_004836.7 (MANE Select); coding-DNA position 907, G replaced by A.
Protein change: p.Ala303Thr; replaces alanine 303 with threonine.
Molecular consequence: missense variant.
Genome position (GRCh38, 1-based): chr2:88,590,913, C>T on the plus strand (G>A on the coding strand, the complement: EIF2AK3 is on the minus strand). VCF-style: chr2-88590913-C-T. GRCh37 (hg19) VCF-style: chr2-88890431-C-T.
Other names: c.454G>A, p.Ala152Thr (NM_001313915.2); c.907G>A (NM_004836.5); short protein forms A152T, A303T.
Identifiers: ClinVar variation 1931167 (VCV001931167.3), dbSNP rs773831879, ClinGen allele CA347595936.

ClinVar aggregate classification (germline): Uncertain significance. Review status: criteria provided, multiple submitters, no conflicts (2 of 4 stars). 2 submissions from 2 submitters: Uncertain significance (2). Last evaluated 2024-05-14.

Conditions:
Inborn genetic diseases. Identifiers: MedGen C0950123, MeSH D030342.

Allele frequency attached by ClinVar (database versions not stated): TOPMed 0.00001; gnomAD 0.00002.

Submissions (2):

Ambry Genetics
Classification: Uncertain significance for Inborn genetic diseases. Last evaluated: 2024-05-14. Review status: criteria provided, single submitter. Criteria: Ambry Variant Classification Scheme 2023. Collection method: clinical testing. Allele origin: germline.

Labcorp Genetics (formerly Invitae), Labcorp
Classification: Uncertain significance. Last evaluated: 2022-06-02. Review status: criteria provided, single submitter. Criteria: Invitae Variant Classification Sherloc (09022015). Collection method: clinical testing. Allele origin: germline.
Comment: This sequence change replaces alanine, which is neutral and non-polar, with threonine, which is neutral and polar, at codon 303 of the EIF2AK3 protein (p.Ala303Thr). This variant is not present in population databases (gnomAD no frequency). This variant has not been reported in the literature in individuals affected with EIF2AK3-related conditions. Algorithms developed to predict the effect of missense changes on protein structure and function (SIFT, PolyPhen-2, Align-GVGD) all suggest that this variant is likely to be tolerated. In summary, the available evidence is currently insufficient to determine the role of this variant in disease. Therefore, it has been classified as a Variant of Uncertain Significance.